The following is an entry in ClinVar:

ClinVar aggregate classification (germline): Conflicting classifications of pathogenicity. Review status: criteria provided, conflicting classifications (1 of 4 stars). 3 submissions from 3 submitters: Uncertain significance (1); Likely benign (1). 1 of the submissions does not count toward it. Last evaluated 2025-11-18.

Conditions:
Autosomal dominant pseudohypoaldosteronism type 1. Also called: Pseudohypoaldosteronism, Type I, Dominant; PHA I, AUTOSOMAL DOMINANT; Pseudohypoaldosteronism, Type I, Autosomal Dominant. Identifiers: Orphanet 171871, Orphanet 756, MedGen C1449842, MONDO:0008329, OMIM 177735.
NR3C2-related disorder. Also called: NR3C2-related disorders; NR3C2-related condition.

Allele frequency attached by ClinVar (database versions not stated): ExAC 0.00004; TOPMed 0.00011; ESP Exome Variant Server 0.00008; gnomAD 0.00006; gnomAD exomes 0.00004.
gnomAD v4.1: 47 of 1,614,158 alleles (0.0029%); highest among the groups gnomAD compares: African/African-American, 0.019%; no homozygotes.

Submissions (3):

Labcorp Genetics (formerly Invitae), Labcorp
Classification: Likely benign. Last evaluated: 2025-11-18. Review status: criteria provided, single submitter. Criteria: Invitae Variant Classification Sherloc (09022015). Collection method: clinical testing. Allele origin: germline.

Illumina Laboratory Services, Illumina
Classification: Uncertain significance for Autosomal dominant pseudohypoaldosteronism type 1. Last evaluated: 2018-01-13. Review status: criteria provided, single submitter. Criteria: ICSL Variant Classification Criteria 13 December 2019. Collection method: clinical testing. Allele origin: germline.

PreventionGenetics, part of Exact Sciences
Classification: Likely benign for NR3C2-related condition. Last evaluated: 2019-05-24. Review status: no assertion criteria provided. Collection method: clinical testing. Allele origin: germline. Not counted in ClinVar's aggregate classification.
Comment: This variant is classified as likely benign based on ACMG/AMP sequence variant interpretation guidelines (Richards et al. 2015 PMID: 25741868, with internal and published modifications).

NM_000901.5(NR3C2):c.1272A>G (p.Ser424=)

Gene: NR3C2 (nuclear receptor subfamily 3 group C member 2; minus strand). Cytogenetic location: 4q31.23.
Variant type: single nucleotide variant.
Coding change: c.1272A>G on transcript NM_000901.5 (MANE Select); coding-DNA position 1272, A replaced by G.
Protein change: p.Ser424=; no amino-acid change (serine 424 retained).
Molecular consequence: synonymous variant. On other transcripts: non-coding transcript variant (1).
Genome position (GRCh38, 1-based): chr4:148,435,589, T>C on the plus strand (A>G on the coding strand, the complement: NR3C2 is on the minus strand). VCF-style: chr4-148435589-T-C. GRCh37 (hg19) VCF-style: chr4-149356741-T-C.
Other names: c.1272A>G, p.Ser424= (NM_001166104.2, NM_001354819.1).
Identifiers: ClinVar variation 903350 (VCV000903350.10), dbSNP rs368453653, ClinGen allele CA3100331.